The following is an entry in ClinVar:

ClinVar aggregate classification (germline): Uncertain significance (1 of 4 stars; one submission).

Conditions:
Brown-Vialetto-van Laere syndrome 2. Also called: SPINOCEREBELLAR ATAXIA WITH BLINDNESS AND DEAFNESS 2; Riboflavin transporter deficiency type 2. Identifiers: Orphanet 572543, Orphanet 97229, MedGen C3553538, MONDO:0013867, OMIM 614707.

Submission:

Labcorp Genetics (formerly Invitae), Labcorp
Classification: Uncertain significance for Brown-Vialetto-van Laere syndrome 2. Last evaluated: 2022-08-21. Review status: criteria provided, single submitter. Criteria: Invitae Variant Classification Sherloc (09022015). Collection method: clinical testing. Allele origin: germline.
Comment: In summary, the available evidence is currently insufficient to determine the role of this variant in disease. Therefore, it has been classified as a Variant of Uncertain Significance. Advanced modeling of protein sequence and biophysical properties (such as structural, functional, and spatial information, amino acid conservation, physicochemical variation, residue mobility, and thermodynamic stability) performed at Invitae indicates that this missense variant is not expected to disrupt SLC52A2 protein function. This variant has not been reported in the literature in individuals affected with SLC52A2-related conditions. This variant is not present in population databases (gnomAD no frequency). This sequence change replaces leucine, which is neutral and non-polar, with proline, which is neutral and non-polar, at codon 233 of the SLC52A2 protein (p.Leu233Pro).

NM_001363118.2(SLC52A2):c.698T>C (p.Leu233Pro)

Gene: SLC52A2 (solute carrier family 52 member 2; plus strand). Cytogenetic location: 8q24.3.
Variant type: single nucleotide variant.
Coding change: c.698T>C on transcript NM_001363118.2 (MANE Select); coding-DNA position 698, T replaced by C.
Protein change: p.Leu233Pro; replaces leucine 233 with proline.
Molecular consequence: missense variant. On other transcripts: non-coding transcript variant (1).
Genome position (GRCh38, 1-based): chr8:144,360,190, T>C. VCF-style: chr8-144360190-T-C. GRCh37 (hg19) VCF-style: chr8-145583850-T-C.
Other names: c.698T>C, p.Leu233Pro (NM_001363120.2, NM_001363121.2, NM_024531.5 and 2 more transcripts); c.206T>C, p.Leu69Pro (NM_001363122.2); c.434T>C, p.Leu145Pro (NM_001410949.1); short protein forms L145P, L233P, L69P.
Identifiers: ClinVar variation 1717400 (VCV001717400.6), dbSNP rs1554854145, ClinGen allele CA372627675.